The following is an entry in ClinVar:

ClinVar aggregate classification (germline): Uncertain significance (1 of 4 stars; one submission).

Conditions:
Hyperprolinemia type 2 (HYRPRO2). Also called: Delta-1-pyrroline-5-carboxylate dehydrogenase deficiency; 1-PYRROLINE-5-CARBOXYLATE DEHYDROGENASE DEFICIENCY; Deficiency of pyrroline-5-carboxylate reductase. Identifiers: Orphanet 79101, MedGen C2931835, MONDO:0009401, OMIM 239510.

Allele frequency attached by ClinVar (database versions not stated): gnomAD exomes 0.00002; ExAC 0.00003; gnomAD 0.00003; TOPMed 0.00003.
gnomAD v4.1: 26 of 1,613,178 alleles (0.0016%); highest among the groups gnomAD compares: South Asian, 0.0033%; no homozygotes.

Submission:

Labcorp Genetics (formerly Invitae), Labcorp
Classification: Uncertain significance for Hyperprolinemia type 2. Last evaluated: 2022-02-24. Review status: criteria provided, single submitter. Criteria: Invitae Variant Classification Sherloc (09022015). Collection method: clinical testing. Allele origin: germline.
Comment: In summary, the available evidence is currently insufficient to determine the role of this variant in disease. Therefore, it has been classified as a Variant of Uncertain Significance. Algorithms developed to predict the effect of missense changes on protein structure and function (SIFT, PolyPhen-2, Align-GVGD) all suggest that this variant is likely to be tolerated. ClinVar contains an entry for this variant (Variation ID: 1038543). This variant has not been reported in the literature in individuals affected with ALDH4A1-related conditions. This variant is present in population databases (rs757819366, gnomAD 0.004%). This sequence change replaces proline, which is neutral and non-polar, with leucine, which is neutral and non-polar, at codon 190 of the ALDH4A1 protein (p.Pro190Leu).

NM_003748.4(ALDH4A1):c.569C>T (p.Pro190Leu)

Gene: ALDH4A1 (aldehyde dehydrogenase 4 family member A1; minus strand). Cytogenetic location: 1p36.13.
Variant type: single nucleotide variant.
Coding change: c.569C>T on transcript NM_003748.4 (MANE Select); coding-DNA position 569, C replaced by T.
Protein change: p.Pro190Leu; replaces proline 190 with leucine.
Molecular consequence: missense variant.
Genome position (GRCh38, 1-based): chr1:18,883,313, G>A on the plus strand (C>T on the coding strand, the complement: ALDH4A1 is on the minus strand). VCF-style: chr1-18883313-G-A. GRCh37 (hg19) VCF-style: chr1-19209807-G-A.
Other names: c.389C>T, p.Pro130Leu (NM_001161504.2); c.569C>T, p.Pro190Leu (NM_001319218.2, NM_170726.3); short protein forms P130L, P190L.
Identifiers: ClinVar variation 1038543 (VCV001038543.7), dbSNP rs757819366, ClinGen allele CA647320.